The following is an entry in ClinVar:

NM_000059.4(BRCA2):c.352C>T (p.Arg118Cys)

Gene: BRCA2 (BRCA2 DNA repair associated; plus strand). Cytogenetic location: 13q13.1.
Variant type: single nucleotide variant.
Coding change: c.352C>T on transcript NM_000059.4 (MANE Select); coding-DNA position 352, C replaced by T.
Protein change: p.Arg118Cys; replaces arginine 118 with cysteine.
Molecular consequence: missense variant.
Genome position (GRCh38, 1-based): chr13:32,325,111, C>T. VCF-style: chr13-32325111-C-T. GRCh37 (hg19) VCF-style: chr13-32899248-C-T.
Other names: p.R118C:CGC>TGC; short protein forms R118C.
Identifiers: ClinVar variation 91803 (VCV000091803.47), dbSNP rs375125172, ClinGen allele CA018264.

ClinVar aggregate classification (germline): Conflicting classifications of pathogenicity. Review status: criteria provided, conflicting classifications (1 of 4 stars). 15 submissions from 15 submitters: Uncertain significance (9); Benign (1); Likely benign (3). 2 of the submissions do not count toward it. Last evaluated 2026-04-27.

Conditions:
Hereditary cancer-predisposing syndrome. Also called: Hereditary neoplastic syndrome; Neoplastic Syndromes, Hereditary; Hereditary Cancer Syndrome; Tumor predisposition. Identifiers: Orphanet 140162, MedGen C0027672, MeSH D009386, MONDO:0015356.
Breast neoplasm. Also called: Breast Neoplasms; Neoplasm of breast; Breast tumor; Neoplasm of the breast. Identifiers: MedGen C1458155, MeSH D001943, MONDO:0021100, HP:0100013. Disease mechanism: gain of function.
Hereditary breast ovarian cancer syndrome. Also called: Hereditary breast and ovarian cancer syndrome (HBOC); Breast and ovarian cancer; Hereditary breast and ovarian cancer syndrome; BRCA1- and BRCA2-Associated Hereditary Breast and Ovarian Cancer; Hereditary breast and/or ovarian cancer syndrome; Hereditary breast and ovarian cancer. Identifiers: Orphanet 145, MedGen C0677776, MeSH D061325, MONDO:0003582. Disease mechanism: loss of function.
Breast-ovarian cancer, familial, susceptibility to, 2 (BROVCA2). Also called: BRCA2 Hereditary Breast and Ovarian Cancer. Identifiers: Orphanet 145, MedGen C2675520, MONDO:0012933, OMIM 612555. Disease mechanism: loss of function.
Familial cancer of breast. Also called: BREAST CANCER, FAMILIAL; hereditary breast carcinoma; Hereditary breast cancer. Identifiers: Orphanet 227535, MedGen C0346153, MONDO:0016419, OMIM 114480. Disease mechanism: loss of function.

Allele frequency attached by ClinVar (database versions not stated): gnomAD exomes 0.00004; ExAC 0.00006; TOPMed 0.00006; ESP Exome Variant Server 0.00008; 1000 Genomes Project 30x 0.00047; 1000 Genomes Project 0.00060.
gnomAD v4.1: 24 of 1,607,402 alleles (0.0015%); highest among the groups gnomAD compares: African/African-American, 0.013%; no homozygotes.

Submissions 1 to 10 of 15:

Women's Health and Genetics/Laboratory Corporation of America, LabCorp
Classification: Uncertain significance. Last evaluated: 2026-04-27. Review status: criteria provided, single submitter. Criteria: LabCorp Variant Classification Summary - May 2015. Collection method: clinical testing. Allele origin: germline.
Comment: Variant summary: BRCA2 c.352C>T (p.Arg118Cys) results in a non-conservative amino acid change in the encoded protein sequence. Algorithms developed to predict the effect of missense changes on protein structure and function are either unavailable or do not agree on the potential impact of this missense change. Consensus agreement among computation tools predict no significant impact on normal splicing. In a minigene assay system, this variant was reported to produce 74% of the canonical transcript and low levels of delta 4, delta 4,5 and delta 4,5,6 transcripts (Fraile-Bethencourt_2019). However, the in-vivo impact of these findings have yet to be corroborated by functional studies. The variant allele was found at a frequency of 4e-05 in 251000 control chromosomes. This frequency is not significantly higher than estimated for disease-causing variants in BRCA2, allowing no conclusion about variant significance. c.352C>T has been reported in the literature in individuals affected with Breast Cancer without strong evidence for causality (e.g. Zhang_2016, Bhaskaran_2019). A co-occurrence with another pathogenic variant has also been reported (BRCA1 c. 3700_3704del, p. Val1234Glnfs*8; Zografos_2022), providing supporting evidence for a benign role. These reports do not provide unequivocal conclusions about association of the variant with Hereditary Breast And Ovarian Cancer Syndrome. At least one publication reports experimental evidence evaluating an impact on protein function, however, does not allow convincing conclusions about the variant effect. The following publications have been ascertained in the context of this evaluation (PMID: 25846551, 30702160, 30883759, 27257965, 36011273). ClinVar contains an entry for this variant (Variation ID: 91803). Based on the evidence outlined above, the variant was classified as uncertain significance.

Labcorp Genetics (formerly Invitae), Labcorp
Classification: Likely benign for Hereditary breast ovarian cancer syndrome. Last evaluated: 2026-02-03. Review status: criteria provided, single submitter. Criteria: Invitae Variant Classification Sherloc (09022015). Collection method: clinical testing. Allele origin: germline.

Quest Diagnostics Nichols Institute San Juan Capistrano
Classification: Uncertain significance. Last evaluated: 2025-07-23. Review status: criteria provided, single submitter. Criteria: Quest Diagnostics criteria. Collection method: clinical testing. Allele origin: unknown.
Comment: The BRCA2 c.352C>T (p.Arg118Cys) variant has been reported in the published literature in individuals with breast cancer (PMID: 27257965 (2016), 30702160 (2019), 35127508 (2021), 32885271 (2021), 36011273 (2022)), as well as in reportedly unaffected individuals (PMID: 30287823 (2018), 33309985 (2020), 33471991 (2021), see also LOVD). Functional studies demonstrated that this variant has an inconclusive effect on protein function (PMID: 30883759 (2019)). The frequency of this variant in the general population (Genome Aggregation Database) is uninformative in the assessment of its pathogenicity. Analysis of this variant using bioinformatics tools for the prediction of the effect of amino acid changes on protein structure and function yielded conflicting predictions that this variant is deleterious or benign. Based on the available information, we are unable to determine the clinical significance of this variant.

Baylor Genetics
Classification: Uncertain significance for Familial cancer of breast. Last evaluated: 2024-03-29. Review status: criteria provided, single submitter. Criteria: ACMG Guidelines, 2015. Collection method: clinical testing. Allele origin: unknown.

Institute for Biomarker Research, Medical Diagnostic Laboratories, L.L.C.
Classification: Benign for Hereditary breast ovarian cancer syndrome. Last evaluated: 2024-02-27. Review status: criteria provided, single submitter. Criteria: ACMG Guidelines, 2015. Collection method: clinical testing. Allele origin: germline.

GeneDx
Classification: Uncertain significance. Last evaluated: 2023-05-16. Review status: criteria provided, single submitter. Criteria: GeneDx Variant Classification Process June 2021. Collection method: clinical testing. Allele origin: germline. Affected: yes.
Comment: In silico analysis supports that this missense variant does not alter protein structure/function; Observed in individuals with breast cancer, some of whom had additional variants that may explain their phenotype (Zhong et al., 2016; Andrikopoulou et al., 2022; Zografos et al., 2022); Published functional studies demonstrate aberrant splicing in a minority of transcripts (Fraile-Bethencourt et al., 2019); Also known as 580C>T; This variant is associated with the following publications: (PMID: 27257965, 31131967, 30702160, 25846551, 11948123, 35127508, 36011273, 30287823, 33471991, 34313030, 31825140, 30883759)

Sema4
Classification: Uncertain significance for Hereditary cancer-predisposing syndrome. Last evaluated: 2021-08-03. Review status: criteria provided, single submitter. Criteria: Sema4 Curation Guidelines. Collection method: curation. Allele origin: germline.
Comment: The BRCA2 c.352C>T (p.R118C) variant has been reported in individuals with breast cancer (PMID: 30702160, 31825140, 27257965), and it has also been identified in healthy controls (PMID: 33471991, 30287823). It was observed in 10/251000 chromosomes in the large and broad cohorts of the Genome Aggregation Database (PMID: 32461654). The variant has been reported in ClinVar (Variation ID 91803). Functional studies assessing protein function have not been performed and in silico predictions of the variant's effect on protein function are inconclusive. The evidence is insufficient to meet ACMG/AMP criteria for classifying the variant as benign or pathogenic. Thus, the clinical significance of this variant is currently uncertain.

Genetic Services Laboratory, University of Chicago
Classification: Uncertain significance. Last evaluated: 2020-02-13. Review status: criteria provided, single submitter. Criteria: ACMG Guidelines, 2015. Collection method: clinical testing. Allele origin: germline. Affected: no.
Comment: DNA sequence analysis of the BRCA2 gene demonstrated a sequence change, c.352C>T, in exon 4 that results in an amino acid change, p.Arg118Cys. This sequence change has been previously described in a patient with breast cancer but no additional information was provided (PMID: 27257965). This sequence change has been described in the gnomAD database with a low population frequency of 0.025% in the African subpopulation (dbSNP rs375125172). The p.Arg118Cys change affects a poorly conserved amino acid residue located in a domain of the BRCA2 protein that is known to be functional. The p.Arg118Cys substitution appears to be benign using several in-silico pathogenicity prediction tools (SIFT, PolyPhen2, Align GVGD, REVEL). Due to these contrasting evidences and the lack of functional studies, the clinical significance of the p.Arg118Cys change remains unknown at this time.

Division of Medical Genetics, University of Washington
Classification: Uncertain significance for Breast-ovarian cancer, familial, susceptibility to, 2. Last evaluated: 2020-01-22. Review status: criteria provided, single submitter. Criteria: ACMG Guidelines, 2015. Collection method: clinical testing. Allele origin: germline. Affected: no. Study: CSER_CHARM.
Comment: This variant has been reported in the literature in individuals with breast cancer (Zhong 2016, Bhaskaran 2019). This variant has an overall allele frequency of 0.00003 in the Broad Institute gnomAD Browser. In silico analyses indicate that this variant does not alter protein structure/function. Thus, it is unknown at this time whether this variant increases cancer risk. BP4

Ambry Genetics
Classification: Likely benign for Hereditary cancer-predisposing syndrome. Last evaluated: 2018-11-08. Review status: criteria provided, single submitter. Criteria: Ambry Variant Classification Scheme 2023. Collection method: clinical testing. Allele origin: germline.